The following is an entry in ClinVar:

NM_004237.4(TRIP13):c.1016T>C (p.Met339Thr)

Gene: TRIP13 (thyroid hormone receptor interactor 13; plus strand). Cytogenetic location: 5p15.33.
Variant type: single nucleotide variant.
Coding change: c.1016T>C on transcript NM_004237.4 (MANE Select); coding-DNA position 1016, T replaced by C.
Protein change: p.Met339Thr; replaces methionine 339 with threonine.
Molecular consequence: missense variant.
Genome position (GRCh38, 1-based): chr5:911,992, T>C. VCF-style: chr5-911992-T-C. GRCh37 (hg19) VCF-style: chr5-912107-T-C.
Other names: short protein forms M339T.
Identifiers: ClinVar variation 1805147 (VCV001805147.1), dbSNP rs2531670905, ClinGen allele CA359042525.

ClinVar aggregate classification (germline): Uncertain significance (1 of 4 stars; one submission).

Conditions:
Mosaic variegated aneuploidy syndrome 3 (MVA3). Identifiers: MedGen C4539839, MONDO:0054736, OMIM 617598.

Submission:

Victorian Clinical Genetics Services, Murdoch Childrens Research Institute
Classification: Uncertain significance for Mosaic variegated aneuploidy syndrome 3. Last evaluated: 2022-02-02. Review status: criteria provided, single submitter. Criteria: ACMG Guidelines, 2015. Collection method: clinical testing. Allele origin: germline. Inheritance: Autosomal recessive inheritance. Affected: yes.
Comment: Based on the classification scheme VCGS_Germline_v1.3.4, this variant is classified as VUS-3A. Following criteria are met: 0102 - Loss of function is a known mechanism of disease in this gene. Null variants are associated with mosaic variegated aneuploidy syndrome 3 (MIM#617598), while only missense resulting in partial loss-of-function have been reported for oocyte maturation defect 9, (MIM#619011) (PMID: 28553959, 32473092). (I) 0106 - This gene is associated with autosomal recessive disease. (I) 0200 - Variant is predicted to result in a missense amino acid change from methionine to threonine. (I) 0251 - This variant is heterozygous. (I) 0301 - Variant is absent from gnomAD (both v2 and v3). (SP) 0502 - Missense variant with conflicting in silico predictions and uninformative conservation. (I) 0604 - Variant is not located in an established domain, motif, hotspot or informative constraint region. (I) 0705 - No comparable missense variants have previous evidence for pathogenicity. (I) 0807 - This variant has no previous evidence of pathogenicity. (I) 0905 - No published segregation evidence has been identified for this variant. (I) 1007 - No published functional evidence has been identified for this variant. (I) 1102 - Strong phenotype match for this individual. (SP) 1208 - Inheritance information for this variant is not currently available in this individual. (I) Legend: (SP) - Supporting pathogenic, (I) - Information, (SB) - Supporting benign

Literature cited by the submitters: PubMed 28553959; PubMed 32473092.